The following is an entry in ClinVar:

NM_000487.6(ARSA):c.1486A>C (p.Thr496Pro)

Gene: ARSA (arylsulfatase A; minus strand). Cytogenetic location: 22q13.33.
Variant type: single nucleotide variant.
Coding change: c.1486A>C on transcript NM_000487.6 (MANE Select); coding-DNA position 1486, A replaced by C.
Protein change: p.Thr496Pro; replaces threonine 496 with proline.
Molecular consequence: missense variant.
Genome position (GRCh38, 1-based): chr22:50,625,189, T>G on the plus strand (A>C on the coding strand, the complement: ARSA is on the minus strand). VCF-style: chr22-50625189-T-G. GRCh37 (hg19) VCF-style: chr22-51063617-T-G.
Other names: c.1486A>C, p.Thr496Pro (NM_001085425.3, NM_001085426.3, NM_001085427.3); c.1228A>C, p.Thr410Pro (NM_001085428.3, NM_001362782.2); short protein forms T410P, T496P.
Identifiers: ClinVar variation 1314507 (VCV001314507.2), dbSNP rs1196939207, ClinGen allele CA412166929.

ClinVar aggregate classification (germline): Uncertain significance (1 of 4 stars; one submission).

Submission:

GeneDx
Classification: Uncertain significance. Last evaluated: 2021-04-07. Review status: criteria provided, single submitter. Criteria: GeneDx Variant Classification Process June 2021. Collection method: clinical testing. Allele origin: germline. Affected: yes.
Comment: Not observed in large population cohorts (Lek et al., 2016); In silico analysis supports that this missense variant does not alter protein structure/function; Has not been previously published as pathogenic or benign to our knowledge